The following is an entry in ClinVar:

NM_138387.4(G6PC3):c.125A>C (p.Tyr42Ser)

Genes: G6PC3 (glucose-6-phosphatase catalytic subunit 3; plus strand), LOC130060959 (ATAC-STARR-seq lymphoblastoid active region 12250; plus strand). Cytogenetic location: 17q21.31.
Variant type: single nucleotide variant.
Coding change: c.125A>C on transcript NM_138387.4 (MANE Select); coding-DNA position 125, A replaced by C.
Protein change: p.Tyr42Ser; replaces tyrosine 42 with serine.
Molecular consequence: missense variant. On other transcripts: 5 prime UTR variant (3), intron variant (1).
Genome position (GRCh38, 1-based): chr17:44,071,090, A>C. VCF-style: chr17-44071090-A-C. GRCh37 (hg19) VCF-style: chr17-42148458-A-C.
Other names: c.125A>C, p.Tyr42Ser (NM_001319945.2); c.-280A>C (NM_001384165.1); c.-415A>C (NM_001384166.1); c.-405A>C (NM_001384167.1); c.-312+376A>C (NM_001384168.1); short protein forms Y42S.
Identifiers: ClinVar variation 4027604 (VCV004027604.1).

ClinVar aggregate classification (germline): Uncertain significance (1 of 4 stars; one submission).

Conditions:
Inborn genetic diseases. Identifiers: MedGen C0950123, MeSH D030342.

gnomAD v4.1: 3 of 1,613,600 alleles (0.00019%); highest among the groups gnomAD compares: Admixed American, 0.0033%; no homozygotes.

Submission:

Ambry Genetics
Classification: Uncertain significance for Inborn genetic diseases. Last evaluated: 2025-05-17. Review status: criteria provided, single submitter. Criteria: Ambry Variant Classification Scheme 2023. Collection method: clinical testing. Allele origin: germline.
Comment: The p.Y42S variant (also known as c.125A>C), located in coding exon 1 of the G6PC3 gene, results from an A to C substitution at nucleotide position 125. The tyrosine at codon 42 is replaced by serine, an amino acid with dissimilar properties. This amino acid position is conserved. In addition, this alteration is predicted to be tolerated by in silico analysis. Based on the available evidence, the clinical significance of this variant remains unclear.